The following is an entry in ClinVar:

NM_001164760.2(PRKAR1B):c.1080_1092del (p.Pro361fs)

Gene: PRKAR1B (protein kinase cAMP-dependent type I regulatory subunit beta; minus strand). Cytogenetic location: 7p22.3.
Variant type: Deletion.
Coding change: c.1080_1092del on transcript NM_001164760.2 (MANE Select); coding-DNA positions 1080 to 1092, 13 bases deleted (GCCCTGCTCTGAG).
Protein change: p.Pro361fs; shifts the reading frame from proline 361.
Molecular consequence: frameshift variant.
Genome position (GRCh38, 1-based): chr7:550,484-550,496, CTCAGAGCAGGGC deleted on the plus strand (GCCCTGCTCTGAG on the coding strand, the reverse complement: PRKAR1B is on the minus strand); deleting any 13 consecutive bases within chr7:550,484-550,497 gives the same sequence; the c. name uses the placement nearest the transcript's 3' end. VCF-style (leftmost placement, unchanged base first): chr7-550483-TCTCAGAGCAGGGC-T. GRCh37 (hg19) VCF-style: chr7-590120-TCTCAGAGCAGGGC-T.
Other names: c.1080_1092del, p.Pro361fs (NM_001164758.2, NM_001164759.1, NM_001164761.2 and 2 more transcripts); short protein forms P361fs.
Identifiers: ClinVar variation 3359786 (VCV003359786.1).
Genomic context (GRCh38, chr7:550,483, plus strand): 5'-GCTGTGCTCAGACGGTGAGGGAGATGAAGCTGTTGTAACGCTGAATGTTCCTCTTGAGGA[TCTCAGAGCAGGGC>T]CCCAGCACACGCTCGAAGCGGGGCCGGTCCAGCTTCACACACTTGAGGGGCCCCCGGGCC-3'

ClinVar aggregate classification (germline): Uncertain significance (1 of 4 stars; one submission).

Submission:

GeneDx
Classification: Uncertain significance. Last evaluated: 2023-06-22. Review status: criteria provided, single submitter. Criteria: GeneDx Variant Classification Process June 2021. Collection method: clinical testing. Allele origin: germline. Affected: yes.
Comment: Not observed at significant frequency in large population cohorts (gnomAD); Frameshift variant predicted to result in protein elongation as the last 21 amino acids are replaced with 46 different amino acids, although loss-of-function variants have not been reported downstream of this position in the protein; Has not been previously published as pathogenic or benign to our knowledge